The following is an entry in ClinVar:

NM_144997.7(FLCN):c.1082T>C (p.Phe361Ser)

Gene: FLCN (folliculin; minus strand). Cytogenetic location: 17p11.2.
Variant type: single nucleotide variant.
Coding change: c.1082T>C on transcript NM_144997.7 (MANE Select); coding-DNA position 1082, T replaced by C.
Protein change: p.Phe361Ser; replaces phenylalanine 361 with serine.
Molecular consequence: missense variant.
Genome position (GRCh38, 1-based): chr17:17,217,163, A>G on the plus strand (T>C on the coding strand, the complement: FLCN is on the minus strand). VCF-style: chr17-17217163-A-G. GRCh37 (hg19) VCF-style: chr17-17120477-A-G.
Other names: c.1082T>C, p.Phe361Ser (NM_001353230.2, NM_001353231.2); c.1136T>C, p.Phe379Ser (NM_001353229.2); short protein forms F379S, F361S.
Identifiers: ClinVar variation 2586510 (VCV002586510.5), dbSNP rs2544173983, ClinGen allele CA398532372.
Genomic context (GRCh38, chr17:17,217,163, plus strand): 5'-ACGTCTCTGCTTTTCCAGATCACCTGGTTCCCCATGAGAACGTGCCAGGCCAGCATGCGG[A>G]AAGAAGGGGCACCCAGGACCTAAACAAGAGAGTGCAGTGCTTTCAGCGTGACTAGTAGAA-3'
Protein context (NP_659434.2, residues 351-371): HMRQVLGAPS[Phe361Ser]RMLAWHVLMG

ClinVar aggregate classification (germline): Uncertain significance. Review status: criteria provided, multiple submitters, no conflicts (2 of 4 stars). 2 submissions from 2 submitters: Uncertain significance (2). Last evaluated 2023-09-01.

Conditions:
Hereditary cancer-predisposing syndrome. Also called: Tumor predisposition; Neoplastic Syndromes, Hereditary; Hereditary Cancer Syndrome; Hereditary neoplastic syndrome. Identifiers: Orphanet 140162, MedGen C0027672, MeSH D009386, MONDO:0015356.
Birt-Hogg-Dube syndrome. Also called: Birt Hogg Dubé syndrome. Identifiers: Orphanet 122, MedGen C0346010, MONDO:0800444.

Submissions (2):

Ambry Genetics
Classification: Uncertain significance for Hereditary cancer-predisposing syndrome. Last evaluated: 2023-09-01. Review status: criteria provided, single submitter. Criteria: Ambry Variant Classification Scheme 2023. Collection method: clinical testing. Allele origin: germline.
Comment: The p.F361S variant (also known as c.1082T>C), located in coding exon 7 of the FLCN gene, results from a T to C substitution at nucleotide position 1082. The phenylalanine at codon 361 is replaced by serine, an amino acid with highly dissimilar properties. This amino acid position is conserved. In addition, this alteration is predicted to be deleterious by in silico analysis. Since supporting evidence is limited at this time, the clinical significance of this alteration remains unclear.

Labcorp Genetics (formerly Invitae), Labcorp
Classification: Uncertain significance for Birt-Hogg-Dube syndrome. Last evaluated: 2023-01-26. Review status: criteria provided, single submitter. Criteria: Invitae Variant Classification Sherloc (09022015). Collection method: clinical testing. Allele origin: germline.
Comment: This sequence change replaces phenylalanine, which is neutral and non-polar, with serine, which is neutral and polar, at codon 361 of the FLCN protein (p.Phe361Ser). This variant is not present in population databases (gnomAD no frequency). This variant has not been reported in the literature in individuals affected with FLCN-related conditions. Advanced modeling of protein sequence and biophysical properties (such as structural, functional, and spatial information, amino acid conservation, physicochemical variation, residue mobility, and thermodynamic stability) performed at Invitae indicates that this missense variant is expected to disrupt FLCN protein function. In summary, the available evidence is currently insufficient to determine the role of this variant in disease. Therefore, it has been classified as a Variant of Uncertain Significance.